The following is an entry in ClinVar:

ClinVar aggregate classification (germline): Uncertain significance (1 of 4 stars; one submission).

gnomAD v4.1: 1 of 1,614,052 alleles (0.000062%); highest among the groups gnomAD compares: Non-Finnish European, 0.000085%; no homozygotes.

Submission:

Labcorp Genetics (formerly Invitae), Labcorp
Classification: Uncertain significance. Last evaluated: 2025-08-22. Review status: criteria provided, single submitter. Criteria: Invitae Variant Classification Sherloc (09022015). Collection method: clinical testing. Allele origin: germline.
Comment: This sequence change replaces phenylalanine, which is neutral and non-polar, with leucine, which is neutral and non-polar, at codon 1092 of the CYFIP2 protein (p.Phe1092Leu). This variant is not present in population databases (gnomAD no frequency). This variant has not been reported in the literature in individuals affected with CYFIP2-related conditions. Experimental studies and prediction algorithms are not available or were not evaluated, and the functional significance of this variant is currently unknown. In summary, the available evidence is currently insufficient to determine the role of this variant in disease. Therefore, it has been classified as a Variant of Uncertain Significance.

NM_001037333.3(CYFIP2):c.3276C>G (p.Phe1092Leu)

Genes: CYFIP2 (cytoplasmic FMR1 interacting protein 2; plus strand), NIPAL4-DT (NIPAL4 divergent transcript; minus strand). Cytogenetic location: 5q33.3.
Variant type: single nucleotide variant.
Coding change: c.3276C>G on transcript NM_001037333.3 (MANE Select); coding-DNA position 3276, C replaced by G.
Protein change: p.Phe1092Leu; replaces phenylalanine 1092 with leucine.
Molecular consequence: missense variant.
Genome position (GRCh38, 1-based): chr5:157,389,257, C>G. VCF-style: chr5-157389257-C-G. GRCh37 (hg19) VCF-style: chr5-156816265-C-G.
Other names: c.3198C>G, p.Phe1066Leu (NM_001291721.2); c.3351C>G, p.Phe1117Leu (NM_001291722.2); c.3276C>G, p.Phe1092Leu (NM_014376.4); short protein forms F1066L, F1092L, F1117L.
Identifiers: ClinVar variation 4725850 (VCV004725850.1).